The following is an entry in ClinVar:

NM_001034853.2(RPGR):c.2854G>T (p.Glu952Ter)

Gene: RPGR (retinitis pigmentosa GTPase regulator; minus strand). Cytogenetic location: Xp11.4.
Variant type: single nucleotide variant.
Coding change: c.2854G>T on transcript NM_001034853.2 (MANE Select); coding-DNA position 2854, G replaced by T.
Protein change: p.Glu952Ter; replaces glutamic acid 952 with a stop codon.
Molecular consequence: nonsense. On other transcripts: intron variant (8).
Genome position (GRCh38, 1-based): chrX:38,286,145, C>A on the plus strand (G>T on the coding strand, the complement: RPGR is on the minus strand). VCF-style: chrX-38286145-C-A. GRCh37 (hg19) VCF-style: chrX-38145398-C-A.
Other names: c.1569+4814G>T (NM_001367249.1, NM_001367250.1); c.1902+949G>T (NM_001367245.1); c.1386+4814G>T (NM_001367251.1); c.1719+949G>T (NM_001367246.1); c.1572+4814G>T (NM_001367247.1); c.1905+949G>T (NM_000328.3); c.1602+4814G>T (NM_001367248.1); short protein forms E952*.
Identifiers: ClinVar variation 2096368 (VCV002096368.4), dbSNP rs2519786005, ClinGen allele CA412729617.

ClinVar aggregate classification (germline): Pathogenic (1 of 4 stars; one submission).

Conditions:
Primary ciliary dyskinesia. Also called: Ciliary dyskinesia. Identifiers: Orphanet 244, MedGen C0008780, MONDO:0016575, HP:0012265.

Submission:

Labcorp Genetics (formerly Invitae), Labcorp
Classification: Pathogenic for Primary ciliary dyskinesia. Last evaluated: 2022-02-11. Review status: criteria provided, single submitter. Criteria: Invitae Variant Classification Sherloc (09022015). Collection method: clinical testing. Allele origin: germline.
Comment: This variant disrupts a region of the RPGR (ORF15) protein in which other variant(s) (p.Leu1130Lysfs*13) have been determined to be pathogenic (PMID: 22264887; Invitae). This suggests that this is a clinically significant region of the protein, and that variants that disrupt it are likely to be disease-causing. This sequence change creates a premature translational stop signal (p.Glu952*) in the RPGR (ORF15) gene. While this is not anticipated to result in nonsense mediated decay, it is expected to disrupt the last 201 amino acid(s) of the RPGR (ORF15) protein. The frequency data for this variant in the population databases is considered unreliable, as metrics indicate insufficient coverage at this position in the gnomAD database. This variant has not been reported in the literature in individuals affected with RPGR (ORF15)-related conditions. For these reasons, this variant has been classified as Pathogenic.

Literature cited by the submitters: PubMed 22264887.